The following is an entry in ClinVar:

ClinVar aggregate classification (germline): Uncertain significance (1 of 4 stars; one submission).

Conditions:
PHIP-related disorder. Also called: PHIP-related condition; PHIP-related disorders.

Submission:

PreventionGenetics, part of Exact Sciences
Classification: Uncertain significance for PHIP-related condition. Last evaluated: 2025-06-04. Review status: criteria provided, single submitter. Criteria: ACMG Guidelines, 2015. Collection method: clinical testing. Allele origin: germline.
Comment: The PHIP c.2996G>C variant is predicted to result in the amino acid substitution p.Arg999Pro. To our knowledge, this variant has not been reported in the literature or in a large population database (gnomAD), indicating this variant is rare. At this time, the clinical significance of this variant is uncertain due to the absence of conclusive functional and genetic evidence.

NM_017934.7(PHIP):c.2996G>C (p.Arg999Pro)

Genes: IRAK1BP1 (interleukin 1 receptor associated kinase 1 binding protein 1; plus strand), PHIP (PHIP subunit of CUL4-Ring ligase complex; minus strand). Cytogenetic location: 6q14.1.
Variant type: single nucleotide variant.
Coding change: c.2996G>C on transcript NM_017934.7 (MANE Select); coding-DNA position 2996, G replaced by C.
Protein change: p.Arg999Pro; replaces arginine 999 with proline.
Molecular consequence: missense variant.
Genome position (GRCh38, 1-based): chr6:78,970,782, C>G on the plus strand (G>C on the coding strand, the complement: PHIP is on the minus strand). VCF-style: chr6-78970782-C-G. GRCh37 (hg19) VCF-style: chr6-79680499-C-G.
Other names: short protein forms R999P.
Identifiers: ClinVar variation 5002612 (VCV005002612.1).